The following is an entry in ClinVar:

ClinVar aggregate classification (germline): Benign/Likely benign. Review status: criteria provided, multiple submitters, no conflicts (2 of 4 stars). 16 submissions from 16 submitters: Benign (11); Likely benign (1). 4 of the submissions do not count toward it. Last evaluated 2026-02-02.

Conditions:
Cardiovascular phenotype. Identifiers: MedGen CN230736.
Cardiomyopathy (CMYO). Also called: Cardiomyopathies. Identifiers: Orphanet 167848, MedGen C0878544, MONDO:0004994, HP:0001638. Inheritance: Various modes of inheritance.
Arrhythmogenic right ventricular dysplasia 5. Also called: Arrhythmogenic Right Ventricular Dysplasia/Cardiomyopathy 5; ARRHYTHMOGENIC RIGHT VENTRICULAR DYSPLASIA, FAMILIAL, 5. Identifiers: MedGen C1858379, MONDO:0011459, OMIM 604400.

Allele frequency attached by ClinVar (database versions not stated): gnomAD exomes 0.00139; ExAC 0.00168; 1000 Genomes Project 30x 0.00547; gnomAD 0.00551 and 0.00599; 1000 Genomes Project 0.00559; TOPMed 0.00629; ESP Exome Variant Server 0.00646.
gnomAD v4.1: 1,678 of 1,614,190 alleles (0.1%); highest among the groups gnomAD compares: African/African-American, 1.9%; 19 homozygotes.

Submissions (16):

Labcorp Genetics (formerly Invitae), Labcorp
Classification: Benign for Arrhythmogenic right ventricular dysplasia 5. Last evaluated: 2026-02-02. Review status: criteria provided, single submitter. Criteria: Invitae Variant Classification Sherloc (09022015). Collection method: clinical testing. Allele origin: germline.

Molecular Diagnostic Laboratory for Inherited Cardiovascular Disease, Montreal Heart Institute
Classification: Benign. Last evaluated: 2025-04-09. Review status: criteria provided, single submitter. Criteria: ACMG Guidelines, 2015. Collection method: clinical testing. Allele origin: germline. Affected: no.

Blueprint Genetics
Classification: Likely benign. Last evaluated: 2024-11-11. Review status: criteria provided, single submitter. Criteria: ACMG Guidelines, 2015. Collection method: clinical testing. Allele origin: germline.

Mayo Clinic Laboratories, Mayo Clinic
Classification: Benign. Last evaluated: 2024-07-01. Review status: criteria provided, single submitter. Criteria: ACMG Guidelines, 2015. Collection method: clinical testing. Allele origin: germline. Observed: 9 variant alleles.
Comment: BS1, BS2, BP4, BP7

ARUP Laboratories, Molecular Genetics and Genomics, ARUP Laboratories
Classification: Benign. Last evaluated: 2022-09-13. Review status: criteria provided, single submitter. Criteria: ARUP Molecular Germline Variant Investigation Process 2021. Collection method: clinical testing. Allele origin: germline.

Color Diagnostics, LLC DBA Color Health
Classification: Benign for Cardiomyopathy. Last evaluated: 2018-10-09. Review status: criteria provided, single submitter. Criteria: ACMG Guidelines, 2015. Collection method: clinical testing. Allele origin: germline.

CHEO Genetics Diagnostic Laboratory, Children's Hospital of Eastern Ontario
Classification: Benign for Cardiomyopathy. Last evaluated: 2016-10-12. Review status: criteria provided, single submitter. Criteria: ACMG Guidelines, 2015. Collection method: clinical testing. Allele origin: germline. Study: Canadian Open Genetics Repository.

Athena Diagnostics
Classification: Benign. Last evaluated: 2016-08-19. Review status: criteria provided, single submitter. Criteria: Athena Diagnostics Criteria. Collection method: clinical testing. Allele origin: germline.

Ambry Genetics
Classification: Benign for Cardiovascular phenotype. Last evaluated: 2015-10-20. Review status: criteria provided, single submitter. Criteria: Ambry Variant Classification Scheme 2023. Collection method: clinical testing. Allele origin: germline.

GeneDx
Classification: Benign. Last evaluated: 2015-03-03. Review status: criteria provided, single submitter. Criteria: GeneDx Variant Classification Process June 2021. Collection method: clinical testing. Allele origin: germline. Affected: yes.

Laboratory for Molecular Medicine, Mass General Brigham Personalized Medicine
Classification: Benign. Last evaluated: 2012-07-17. Review status: criteria provided, single submitter. Criteria: LMM Criteria. Collection method: clinical testing. Allele origin: germline. Observed: 7 variant alleles.
Comment: Ala366Thr in exon 12 of TMEM43: This variant is not expected to have clinical si gnificance because it has been identified in 2% (82/4406) of African American ch romosomes from a broad population by the NHLBI Exome Sequencing Project. Ala366Thr in exon 12 of TMEM43 (rs36083 134; allele frequency = 2%, 82/4406) **

Breakthrough Genomics
Classification: Benign. Review status: criteria provided, single submitter. Criteria: ACMG Guidelines, 2015. Collection method: not provided. Allele origin: germline. Inheritance: Autosomal dominant inheritance. Affected: yes.

Clinical Genetics DNA and cytogenetics Diagnostics Lab, Erasmus MC, Erasmus Medical Center
Classification: Benign. Review status: no assertion criteria provided. Collection method: clinical testing. Allele origin: germline. Affected: yes. Study: VKGL Data-share Consensus. Not counted in ClinVar's aggregate classification.

Clinical Genetics, Academic Medical Center
Classification: Benign. Review status: no assertion criteria provided. Collection method: clinical testing. Allele origin: germline. Affected: yes. Study: VKGL Data-share Consensus. Not counted in ClinVar's aggregate classification.

Genome Diagnostics Laboratory, University Medical Center Utrecht
Classification: Likely benign. Review status: no assertion criteria provided. Collection method: clinical testing. Allele origin: germline. Affected: yes. Study: VKGL Data-share Consensus. Not counted in ClinVar's aggregate classification.

Joint Genome Diagnostic Labs from Nijmegen and Maastricht, Radboudumc and MUMC+
Classification: Benign. Review status: no assertion criteria provided. Collection method: clinical testing. Allele origin: germline. Affected: yes. Study: VKGL Data-share Consensus. Not counted in ClinVar's aggregate classification.

NM_024334.3(TMEM43):c.1096G>A (p.Ala366Thr)

Gene: TMEM43 (transmembrane protein 43; plus strand). Cytogenetic location: 3p25.1.
Variant type: single nucleotide variant.
Coding change: c.1096G>A on transcript NM_024334.3 (MANE Select); coding-DNA position 1096, G replaced by A.
Protein change: p.Ala366Thr; replaces alanine 366 with threonine.
Molecular consequence: missense variant.
Genome position (GRCh38, 1-based): chr3:14,141,688, G>A. VCF-style: chr3-14141688-G-A. GRCh37 (hg19) VCF-style: chr3-14183188-G-A.
Other names: short protein forms A366T.
Identifiers: ClinVar variation 46138 (VCV000046138.42), dbSNP rs36083134, ClinGen allele CA024577.